The following is an entry in ClinVar:

NM_052859.4(RFT1):c.173C>A (p.Thr58Asn)

Gene: RFT1 (RFT1 glycolipid translocator homolog; minus strand). Cytogenetic location: 3p21.1.
Variant type: single nucleotide variant.
Coding change: c.173C>A on transcript NM_052859.4 (MANE Select); coding-DNA position 173, C replaced by A.
Protein change: p.Thr58Asn; replaces threonine 58 with asparagine.
Molecular consequence: missense variant.
Genome position (GRCh38, 1-based): chr3:53,123,817, G>T on the plus strand (C>A on the coding strand, the complement: RFT1 is on the minus strand). VCF-style: chr3-53123817-G-T. GRCh37 (hg19) VCF-style: chr3-53157833-G-T.
Other names: short protein forms T58N.
Identifiers: ClinVar variation 2089939 (VCV002089939.4), dbSNP rs777579636, ClinGen allele CA2451515.

ClinVar aggregate classification (germline): Uncertain significance (1 of 4 stars; one submission).

Conditions:
RFT1-congenital disorder of glycosylation (CDG1N). Also called: RFT1-CDG; Congenital disorder of glycosylation type In; CDG In. Identifiers: Orphanet 244310, MedGen C2677590, MONDO:0012783, OMIM 612015.

gnomAD v4.1: 4 of 1,614,160 alleles (0.00025%); highest among the groups gnomAD compares: Non-Finnish European, 0.00034%; no homozygotes.

Submission:

Labcorp Genetics (formerly Invitae), Labcorp
Classification: Uncertain significance for RFT1-congenital disorder of glycosylation. Last evaluated: 2022-06-29. Review status: criteria provided, single submitter. Criteria: Invitae Variant Classification Sherloc (09022015). Collection method: clinical testing. Allele origin: germline.
Comment: In summary, the available evidence is currently insufficient to determine the role of this variant in disease. Therefore, it has been classified as a Variant of Uncertain Significance. Algorithms developed to predict the effect of missense changes on protein structure and function are either unavailable or do not agree on the potential impact of this missense change (SIFT: "Deleterious"; PolyPhen-2: "Benign"; Align-GVGD: "Class C0"). This variant has not been reported in the literature in individuals affected with RFT1-related conditions. This variant is present in population databases (rs777579636, gnomAD 0.002%). This sequence change replaces threonine, which is neutral and polar, with asparagine, which is neutral and polar, at codon 58 of the RFT1 protein (p.Thr58Asn).